The following is an entry in ClinVar:

ClinVar aggregate classification (germline): Benign/Likely benign. Review status: criteria provided, multiple submitters, no conflicts (2 of 4 stars). 7 submissions from 7 submitters: Benign (2); Likely benign (3). 2 of the submissions do not count toward it. Last evaluated 2025-12-10.

Conditions:
SCN1B-related disorder. Also called: SCN1B-Related Disorders; SCN1B-related condition.
Brugada syndrome 5 (BRGDA5). Identifiers: Orphanet 130, Orphanet 871, MedGen C2748541, MONDO:0013015, OMIM 612838.

Allele frequency attached by ClinVar (database versions not stated): gnomAD exomes 0.00003 and 0.00005; ExAC 0.00015; ESP Exome Variant Server 0.00030; gnomAD 0.00039 and 0.00043; TOPMed 0.00040.
gnomAD v4.1: 110 of 1,550,758 alleles (0.0071%); highest among the groups gnomAD compares: African/African-American, 0.13%; no homozygotes.

Submissions (7):

Labcorp Genetics (formerly Invitae), Labcorp
Classification: Benign for Brugada syndrome 5. Last evaluated: 2025-12-10. Review status: criteria provided, single submitter. Criteria: Invitae Variant Classification Sherloc (09022015). Collection method: clinical testing. Allele origin: germline.

PreventionGenetics, part of Exact Sciences
Classification: Likely benign for SCN1B-related condition. Last evaluated: 2024-10-18. Review status: criteria provided, single submitter. Criteria: ACMG Guidelines, 2015. Collection method: clinical testing. Allele origin: germline.
Comment: This variant is classified as likely benign based on ACMG/AMP sequence variant interpretation guidelines (Richards et al. 2015 PMID: 25741868, with internal and published modifications).

Blueprint Genetics
Classification: Likely benign. Last evaluated: 2024-02-14. Review status: criteria provided, single submitter. Criteria: ACMG Guidelines, 2015. Collection method: clinical testing. Allele origin: germline.

Women's Health and Genetics/Laboratory Corporation of America, LabCorp
Classification: Likely benign. Last evaluated: 2020-06-13. Review status: criteria provided, single submitter. Criteria: LabCorp Variant Classification Summary - May 2015. Collection method: clinical testing. Allele origin: germline.

GeneDx
Classification: Benign. Last evaluated: 2015-03-03. Review status: criteria provided, single submitter. Criteria: GeneDx Variant Classification Process June 2021. Collection method: clinical testing. Allele origin: germline. Affected: yes.

Genome Diagnostics Laboratory, University Medical Center Utrecht
Classification: Likely benign. Review status: no assertion criteria provided. Collection method: clinical testing. Allele origin: germline. Affected: yes. Study: VKGL Data-share Consensus. Not counted in ClinVar's aggregate classification.

Joint Genome Diagnostic Labs from Nijmegen and Maastricht, Radboudumc and MUMC+
Classification: Likely benign. Review status: no assertion criteria provided. Collection method: clinical testing. Allele origin: germline. Affected: yes. Study: VKGL Data-share Consensus. Not counted in ClinVar's aggregate classification.

NM_001037.5(SCN1B):c.448+314C>A

Gene: SCN1B (sodium voltage-gated channel beta subunit 1; plus strand). Cytogenetic location: 19q13.11.
Variant type: single nucleotide variant.
Coding change: c.448+314C>A on transcript NM_001037.5 (MANE Select); 314 bases into the intron after coding-DNA position 448, C replaced by A.
Molecular consequence: intron variant. On other transcripts: synonymous variant (1).
Genome position (GRCh38, 1-based): chr19:35,034,053, C>A. VCF-style: chr19-35034053-C-A. GRCh37 (hg19) VCF-style: chr19-35524957-C-A.
Other names: c.762C>A, p.Gly254= (NM_199037.5); c.349+314C>A (NM_001321605.2).
Identifiers: ClinVar variation 470186 (VCV000470186.17), dbSNP rs373295182, ClinGen allele CA9372056.